The following is an entry in ClinVar:

ClinVar aggregate classification (germline): Uncertain significance. Review status: criteria provided, multiple submitters, no conflicts (2 of 4 stars). 2 submissions from 2 submitters: Uncertain significance (2). Last evaluated 2025-07-10.

gnomAD v4.1: 42 of 1,614,032 alleles (0.0026%); highest among the groups gnomAD compares: East Asian, 0.091%; no homozygotes.

Submissions (2):

Labcorp Genetics (formerly Invitae), Labcorp
Classification: Uncertain significance. Last evaluated: 2025-07-10. Review status: criteria provided, single submitter. Criteria: Invitae Variant Classification Sherloc (09022015). Collection method: clinical testing. Allele origin: germline.
Comment: This sequence change replaces threonine, which is neutral and polar, with asparagine, which is neutral and polar, at codon 523 of the ATRIP protein (p.Thr523Asn). This variant is present in population databases (no rsID available, gnomAD no frequency). This variant has not been reported in the literature in individuals affected with ATRIP-related conditions. ClinVar contains an entry for this variant (Variation ID: 3612599). An algorithm developed to predict the effect of missense changes on protein structure and function (PolyPhen-2) suggests that this variant is likely to be tolerated. In summary, the available evidence is currently insufficient to determine the role of this variant in disease. Therefore, it has been classified as a Variant of Uncertain Significance.

Ambry Genetics
Classification: Uncertain significance. Last evaluated: 2025-01-05. Review status: criteria provided, single submitter. Criteria: Ambry Variant Classification Scheme 2023. Collection method: clinical testing. Allele origin: germline.
Comment: The p.T523N variant (also known as c.1568C>A), located in coding exon 8 of the ATRIP gene, results from a C to A substitution at nucleotide position 1568. The threonine at codon 523 is replaced by asparagine, an amino acid with similar properties. This amino acid position is conserved. In addition, this alteration is predicted to be tolerated by in silico analysis. Based on the available evidence, the clinical significance of this variant remains unclear.

NM_130384.3(ATRIP):c.1568C>A (p.Thr523Asn)

Genes: ATRIP (ATR interacting protein; plus strand), ATRIP-TREX1 (ATRIP-TREX1 readthrough; plus strand). Cytogenetic location: 3p21.31.
Variant type: single nucleotide variant.
Coding change: c.1568C>A on transcript NM_130384.3 (MANE Select); coding-DNA position 1568, C replaced by A.
Protein change: p.Thr523Asn; replaces threonine 523 with asparagine.
Molecular consequence: missense variant. On other transcripts: non-coding transcript variant (1).
Genome position (GRCh38, 1-based): chr3:48,460,622, C>A. VCF-style: chr3-48460622-C-A. GRCh37 (hg19) VCF-style: chr3-48502021-C-A.
Other names: c.1568C>A (NM_130384.1); c.1187C>A, p.Thr396Asn (NM_001271022.2); c.1289C>A, p.Thr430Asn (NM_001271023.2); c.1568C>A, p.Thr523Asn (NM_032166.4); short protein forms T396N, T430N, T523N.
Identifiers: ClinVar variation 3612599 (VCV003612599.3).